The following is an entry in ClinVar:

NM_138694.4(PKHD1):c.3005C>T (p.Ser1002Phe)

Gene: PKHD1 (PKHD1 ciliary IPT domain containing fibrocystin/polyductin; minus strand). Cytogenetic location: 6p12.2.
Variant type: single nucleotide variant.
Coding change: c.3005C>T on transcript NM_138694.4 (MANE Select); coding-DNA position 3005, C replaced by T.
Protein change: p.Ser1002Phe; replaces serine 1002 with phenylalanine.
Molecular consequence: missense variant.
Genome position (GRCh38, 1-based): chr6:52,042,951, G>A on the plus strand (C>T on the coding strand, the complement: PKHD1 is on the minus strand). VCF-style: chr6-52042951-G-A. GRCh37 (hg19) VCF-style: chr6-51907749-G-A.
Other names: c.3005C>T, p.Ser1002Phe (NM_170724.3); c.3005C>T (NM_138694.3); short protein forms S1002F.
Identifiers: ClinVar variation 1396184 (VCV001396184.6), dbSNP rs760793047, ClinGen allele CA3853065.

ClinVar aggregate classification (germline): Uncertain significance. Review status: criteria provided, multiple submitters, no conflicts (2 of 4 stars). 2 submissions from 2 submitters: Uncertain significance (2). Last evaluated 2025-03-31.

Conditions:
PKHD1-related disorder. Also called: PKHD1-related condition.
Autosomal recessive polycystic kidney disease (ARPKD). Also called: AR polycystic kidney disease. Identifiers: Orphanet 731, Orphanet 8378, MedGen C0085548, MeSH D017044, MONDO:0009889.

Allele frequency attached by ClinVar (database versions not stated): TOPMed below 0.00001; gnomAD 0.00001; gnomAD exomes 0.00001 and 0.00002; ExAC 0.00005.
gnomAD v4.1: 18 of 1,613,460 alleles (0.0011%); highest among the groups gnomAD compares: South Asian, 0.018%; no homozygotes.

Submissions (2):

PreventionGenetics, part of Exact Sciences
Classification: Uncertain significance for PKHD1-related condition. Last evaluated: 2025-03-31. Review status: criteria provided, single submitter. Criteria: ACMG Guidelines, 2015. Collection method: clinical testing. Allele origin: germline.
Comment: The PKHD1 c.3005C>T variant is predicted to result in the amino acid substitution p.Ser1002Phe. To our knowledge, this variant has not been reported in the literature. This variant is reported in 0.013% of alleles in individuals of South Asian descent in gnomAD. At this time, the clinical significance of this variant is uncertain due to the absence of conclusive functional and genetic evidence.

Labcorp Genetics (formerly Invitae), Labcorp
Classification: Uncertain significance for Autosomal recessive polycystic kidney disease. Last evaluated: 2021-09-17. Review status: criteria provided, single submitter. Criteria: Invitae Variant Classification Sherloc (09022015). Collection method: clinical testing. Allele origin: germline.
Comment: This sequence change replaces serine with phenylalanine at codon 1002 of the PKHD1 protein (p.Ser1002Phe). The serine residue is weakly conserved and there is a large physicochemical difference between serine and phenylalanine. This variant is present in population databases (rs760793047, ExAC 0.04%). This variant has not been reported in the literature in individuals with PKHD1-related conditions. Algorithms developed to predict the effect of missense changes on protein structure and function output the following: SIFT: "Tolerated"; PolyPhen-2: "Benign"; Align-GVGD: "Class C0". The phenylalanine amino acid residue is found in multiple mammalian species, suggesting that this missense change does not adversely affect protein function. These predictions have not been confirmed by published functional studies and their clinical significance is uncertain. In summary, the available evidence is currently insufficient to determine the role of this variant in disease. Therefore, it has been classified as a Variant of Uncertain Significance.